The following is an entry in ClinVar:

NM_024596.5(MCPH1):c.461T>G (p.Phe154Cys)

Gene: MCPH1 (microcephalin 1; plus strand). Cytogenetic location: 8p23.1.
Variant type: single nucleotide variant.
Coding change: c.461T>G on transcript NM_024596.5 (MANE Select); coding-DNA position 461, T replaced by G.
Protein change: p.Phe154Cys; replaces phenylalanine 154 with cysteine.
Molecular consequence: missense variant. On other transcripts: non-coding transcript variant (1), intron variant (1).
Genome position (GRCh38, 1-based): chr8:6,438,977, T>G. VCF-style: chr8-6438977-T-G. GRCh37 (hg19) VCF-style: chr8-6296498-T-G.
Other names: c.461T>G, p.Phe154Cys (NM_001172574.2, NM_001322042.2, NM_001363979.1 and 3 more transcripts); c.455T>G, p.Phe152Cys (NM_001322043.2); c.359T>G, p.Phe120Cys (NM_001322045.2); c.436+2815T>G (NM_001172575.2); short protein forms F152C, F154C, F120C.
Identifiers: ClinVar variation 1966033 (VCV001966033.2), dbSNP rs775015523, ClinGen allele CA4610255.

ClinVar aggregate classification (germline): Uncertain significance (1 of 4 stars; one submission).

Allele frequency attached by ClinVar (database versions not stated): ExAC 0.00001; gnomAD 0.00001; gnomAD exomes 0.00001; TOPMed 0.00001.
gnomAD v4.1: 16 of 1,612,304 alleles (0.00099%); highest among the groups gnomAD compares: Non-Finnish European, 0.0014%; no homozygotes.

Submission:

Labcorp Genetics (formerly Invitae), Labcorp
Classification: Uncertain significance. Last evaluated: 2022-07-26. Review status: criteria provided, single submitter. Criteria: Invitae Variant Classification Sherloc (09022015). Collection method: clinical testing. Allele origin: germline.
Comment: This sequence change replaces phenylalanine, which is neutral and non-polar, with cysteine, which is neutral and slightly polar, at codon 154 of the MCPH1 protein (p.Phe154Cys). This variant is present in population databases (rs775015523, gnomAD 0.003%). This variant has not been reported in the literature in individuals affected with MCPH1-related conditions. Algorithms developed to predict the effect of missense changes on protein structure and function are either unavailable or do not agree on the potential impact of this missense change (SIFT: "Not Available"; PolyPhen-2: "Probably Damaging"; Align-GVGD: "Not Available"). In summary, the available evidence is currently insufficient to determine the role of this variant in disease. Therefore, it has been classified as a Variant of Uncertain Significance.